The following is an entry in ClinVar:

NM_000142.5(FGFR3):c.159C>T (p.Ser53=)

Gene: FGFR3 (fibroblast growth factor receptor 3; plus strand). Cytogenetic location: 4p16.3.
Variant type: single nucleotide variant.
Coding change: c.159C>T on transcript NM_000142.5 (MANE Select); coding-DNA position 159, C replaced by T.
Protein change: p.Ser53=; no amino-acid change (serine 53 retained).
Molecular consequence: synonymous variant. On other transcripts: non-coding transcript variant (1).
Genome position (GRCh38, 1-based): chr4:1,799,303, C>T. VCF-style: chr4-1799303-C-T. GRCh37 (hg19) VCF-style: chr4-1801030-C-T.
Other names: c.159C>T, p.Ser53= (NM_001163213.2, NM_001354809.2, NM_001354810.2 and 1 more transcripts).
Identifiers: ClinVar variation 718114 (VCV000718114.21), dbSNP rs143548893, ClinGen allele CA2809732.

ClinVar aggregate classification (germline): Likely benign. Review status: criteria provided, multiple submitters, no conflicts (2 of 4 stars). 7 submissions from 7 submitters: Likely benign (4). 3 of the submissions do not count toward it. Last evaluated 2026-07-01.

Conditions:
FGFR3-related disorder. Also called: FGFR3-related disorders.

Allele frequency attached by ClinVar (database versions not stated): gnomAD exomes 0.00025; TOPMed 0.00026; ExAC 0.00038; ESP Exome Variant Server 0.00023.

Submissions (7):

CeGaT Center for Human Genetics Tuebingen
Classification: Likely benign. Last evaluated: 2026-07-01. Review status: criteria provided, single submitter. Criteria: CeGaT Center For Human Genetics Tuebingen Variant Classification Criteria Version 2. Collection method: clinical testing. Allele origin: germline. Affected: yes. Observed: 2 variant alleles.
Comment: FGFR3: BP4, BP7

Labcorp Genetics (formerly Invitae), Labcorp
Classification: Likely benign. Last evaluated: 2026-01-18. Review status: criteria provided, single submitter. Criteria: Invitae Variant Classification Sherloc (09022015). Collection method: clinical testing. Allele origin: germline.

Blueprint Genetics
Classification: Likely benign. Last evaluated: 2024-09-12. Review status: criteria provided, single submitter. Criteria: ACMG Guidelines, 2015. Collection method: clinical testing. Allele origin: germline.

GeneDx
Classification: Likely benign. Last evaluated: 2020-04-07. Review status: criteria provided, single submitter. Criteria: GeneDx Variant Classification Process June 2021. Collection method: clinical testing. Allele origin: germline. Affected: yes.

PreventionGenetics, part of Exact Sciences
Classification: Likely benign for FGFR3-related condition. Last evaluated: 2022-08-31. Review status: no assertion criteria provided. Collection method: clinical testing. Allele origin: germline. Not counted in ClinVar's aggregate classification.
Comment: This variant is classified as likely benign based on ACMG/AMP sequence variant interpretation guidelines (Richards et al. 2015 PMID: 25741868, with internal and published modifications).

Joint Genome Diagnostic Labs from Nijmegen and Maastricht, Radboudumc and MUMC+
Classification: Likely benign. Review status: no assertion criteria provided. Collection method: clinical testing. Allele origin: germline. Affected: yes. Study: VKGL Data-share Consensus. Not counted in ClinVar's aggregate classification.

Laboratory of Diagnostic Genome Analysis, Leiden University Medical Center (LUMC)
Classification: Likely benign. Review status: no assertion criteria provided. Collection method: clinical testing. Allele origin: germline. Affected: yes. Study: VKGL Data-share Consensus. Not counted in ClinVar's aggregate classification.